The following is an entry in ClinVar:

ClinVar aggregate classification (germline): Uncertain significance (1 of 4 stars; one submission).

Allele frequency attached by ClinVar (database versions not stated): gnomAD 0.00001.

Submission:

Labcorp Genetics (formerly Invitae), Labcorp
Classification: Uncertain significance. Last evaluated: 2022-12-12. Review status: criteria provided, single submitter. Criteria: Invitae Variant Classification Sherloc (09022015). Collection method: clinical testing. Allele origin: germline.
Comment: This variant has not been reported in the literature in individuals affected with NAF1-related conditions. The frequency data for this variant in the population databases is considered unreliable, as metrics indicate poor data quality at this position in the gnomAD database. This sequence change replaces proline, which is neutral and non-polar, with leucine, which is neutral and non-polar, at codon 479 of the NAF1 protein (p.Pro479Leu). In summary, the available evidence is currently insufficient to determine the role of this variant in disease. Therefore, it has been classified as a Variant of Uncertain Significance. Algorithms developed to predict the effect of missense changes on protein structure and function are either unavailable or do not agree on the potential impact of this missense change (SIFT: "Deleterious"; PolyPhen-2: "Benign"; Align-GVGD: "Class C0").

NM_138386.3(NAF1):c.1436C>T (p.Pro479Leu)

Gene: NAF1 (nuclear assembly factor 1 ribonucleoprotein; minus strand). Cytogenetic location: 4q32.2.
Variant type: single nucleotide variant.
Coding change: c.1436C>T on transcript NM_138386.3 (MANE Select); coding-DNA position 1436, C replaced by T.
Protein change: p.Pro479Leu; replaces proline 479 with leucine.
Molecular consequence: missense variant. On other transcripts: intron variant (1).
Genome position (GRCh38, 1-based): chr4:163,128,946, G>A on the plus strand (C>T on the coding strand, the complement: NAF1 is on the minus strand). VCF-style: chr4-163128946-G-A. GRCh37 (hg19) VCF-style: chr4-164050098-G-A.
Other names: c.1034-1831C>T (NM_001128931.2); short protein forms P479L.
Identifiers: ClinVar variation 3014986 (VCV003014986.3), dbSNP rs889444724, ClinGen allele CA110029811.
Genomic context (GRCh38, chr4:163,128,946, plus strand): 5'-TGCATAGTCACCTAATAGTAAGGTCCAAAATGAGAATTACTATCTCCAGAAGAGGGTGGA[G>A]GAGGCAGTGGTGGAGGGGGAGGGGGTGGGGGTAGGGAGTATGGTAAGTTAAGTAATGGAT-3'
Protein context (NP_612395.2, residues 469-489): PPPPPPPPLP[Pro479Leu]PPSSGDSNSH